The following is an entry in ClinVar:

NM_001904.4(CTNNB1):c.1512del (p.Trp504fs)

Genes: CTNNB1 (catenin beta 1; plus strand), LOC126806659 (BRD4-independent group 4 enhancer GRCh37_chr3:41274918-41276117; plus strand). Cytogenetic location: 3p22.1.
Variant type: Deletion.
Coding change: c.1512del on transcript NM_001904.4 (MANE Select); coding-DNA position 1512, one base deleted (G; older notation c.1512delG).
Protein change: p.Trp504fs; shifts the reading frame from tryptophan 504.
Molecular consequence: frameshift variant.
Genome position (GRCh38, 1-based): chr3:41,233,855, G deleted; the last of 2 consecutive G bases (chr3:41,233,854-41,233,855); deleting either gives the same sequence. VCF-style (leftmost placement, unchanged base first): chr3-41233853-TG-T. GRCh37 (hg19) VCF-style: chr3-41275344-TG-T.
Other names: c.1512del, p.Trp504fs (NM_001098209.2, NM_001098210.2); c.1491del, p.Trp497fs (NM_001330729.2); short protein forms W504fs, W497fs.
Identifiers: ClinVar variation 2844579 (VCV002844579.3), dbSNP rs2470831994, ClinGen allele CA2739279670.
Genomic context (GRCh38, chr3:41,233,853, plus strand): 5'-GCAGTTCGCCTTCACTATGGACTACCAGTTGTGGTTAAGCTCTTACACCCACCATCCCAC[TG>T]GCCTCTGATAAAGGTAAATTGTCAAAGTAGAATTTACCTTTGTTGCAGAATTGAAAATGA-3'

ClinVar aggregate classification (germline): Pathogenic (1 of 4 stars; one submission).

Submission:

Labcorp Genetics (formerly Invitae), Labcorp
Classification: Pathogenic. Last evaluated: 2023-03-09. Review status: criteria provided, single submitter. Criteria: Invitae Variant Classification Sherloc (09022015). Collection method: clinical testing. Allele origin: germline.
Comment: This variant has not been reported in the literature in individuals affected with CTNNB1-related conditions. For these reasons, this variant has been classified as Pathogenic. This variant is not present in population databases (gnomAD no frequency). This sequence change creates a premature translational stop signal (p.Trp504Cysfs*3) in the CTNNB1 gene. It is expected to result in an absent or disrupted protein product. Loss-of-function variants in CTNNB1 are known to be pathogenic (PMID: 23033978, 24614104, 25326669, 26350204, 28575650).

Literature cited by the submitters: PubMed 23033978; PubMed 24614104; PubMed 25326669; PubMed 26350204; PubMed 28575650.